The following is an entry in ClinVar:

NM_003890.3(FCGBP):c.12006C>T (p.Val4002=)

Gene: FCGBP (Fc gamma binding protein; minus strand). Cytogenetic location: 19q13.2.
Variant type: single nucleotide variant.
Coding change: c.12006C>T on transcript NM_003890.3 (MANE Select); coding-DNA position 12006, C replaced by T.
Protein change: p.Val4002=; no amino-acid change (valine 4002 retained).
Molecular consequence: synonymous variant.
Genome position (GRCh38, 1-based): chr19:39,883,432, G>A on the plus strand (C>T on the coding strand, the complement: FCGBP is on the minus strand). VCF-style: chr19-39883432-G-A. GRCh37 (hg19) VCF-style: chr19-40374072-G-A.
Identifiers: ClinVar variation 2649844 (VCV002649844.24), dbSNP rs147259660, ClinGen allele CA308311405.

ClinVar aggregate classification (germline): Likely benign (1 of 4 stars; one submission).

Allele frequency attached by ClinVar (database versions not stated): gnomAD exomes below 0.00001; gnomAD 0.00001; ExAC 0.00588; ESP Exome Variant Server 0.00619.

Submission:

CeGaT Center for Human Genetics Tuebingen
Classification: Likely benign. Last evaluated: 2022-09-01. Review status: criteria provided, single submitter. Criteria: CeGaT Center For Human Genetics Tuebingen Variant Classification Criteria Version 2. Collection method: clinical testing. Allele origin: germline. Affected: yes. Observed: 4 variant alleles.
Comment: FCGBP: BP4, BP7